The following is an entry in ClinVar:

NC_000004.11:g.(?_184622830)_(184633797_?)del

Gene: TRAPPC11 (trafficking protein particle complex subunit 11; plus strand). Cytogenetic location: 4q35.1.
Variant type: Deletion.
Identifiers: ClinVar variation 1456744 (VCV001456744.7).

ClinVar aggregate classification (germline): Pathogenic (1 of 4 stars; one submission).

Conditions:
Autosomal recessive limb-girdle muscular dystrophy type R18 (LGMDR18). Also called: Limb-girdle muscular dystrophy, type 2S; MUSCULAR DYSTROPHY, LIMB-GIRDLE, AUTOSOMAL RECESSIVE 18; Autosomal recessive limb-girdle muscular dystrophy type 2S. Identifiers: Orphanet 369840, MedGen C4517996, MONDO:0014144, OMIM 615356.

Submission:

Labcorp Genetics (formerly Invitae), Labcorp
Classification: Pathogenic for Autosomal recessive limb-girdle muscular dystrophy type R18. Last evaluated: 2022-03-03. Review status: criteria provided, single submitter. Criteria: Invitae Variant Classification Sherloc (09022015). Collection method: clinical testing. Allele origin: germline.
Comment: For these reasons, this variant has been classified as Pathogenic. This variant disrupts a region of the TRAPPC11 protein in which other variant(s) (p.Gly980Arg) have been determined to be pathogenic (PMID: 23830518, 26322222, 26912795; Invitae). This suggests that this is a clinically significant region of the protein, and that variants that disrupt it are likely to be disease-causing. This variant has not been reported in the literature in individuals affected with TRAPPC11-related conditions. This variant is a gross deletion of the genomic region encompassing exon(s) 26-30 of the TRAPPC11 gene, which includes the termination codon. This deletion extends beyond the assayed region for this gene and therefore may encompass additional genes. While this deletion is not anticipated to lead to nonsense mediated decay, it is expected to alter mRNA translation or result in a truncated protein product.

Literature cited by the submitters: PubMed 23830518; PubMed 26322222; PubMed 26912795.